The following is an entry in ClinVar:

ClinVar aggregate classification (germline): Benign. Review status: criteria provided, multiple submitters, no conflicts (2 of 4 stars). 3 submissions from 3 submitters: Benign (3). Last evaluated 2024-03-26.

Conditions:
Maturity-onset diabetes of the young (MODY). Also called: Maturity onset diabetes mellitus in young. Identifiers: Orphanet 552, MedGen C0342276, MONDO:0018911, HP:0004904.

Allele frequency attached by ClinVar (database versions not stated): gnomAD 0.00001; gnomAD exomes 0.00002 and 0.00005; TOPMed 0.00002; ExAC 0.00005.
gnomAD v4.1: 15 of 1,613,844 alleles (0.00093%); highest among the groups gnomAD compares: Admixed American, 0.023%; no homozygotes.

Submissions (3):

Women's Health and Genetics/Laboratory Corporation of America, LabCorp
Classification: Benign. Last evaluated: 2024-03-26. Review status: criteria provided, single submitter. Criteria: LabCorp Variant Classification Summary - May 2015. Collection method: clinical testing. Allele origin: germline.

Athena Diagnostics
Classification: Benign. Last evaluated: 2018-06-05. Review status: criteria provided, single submitter. Criteria: Athena Diagnostics Criteria. Collection method: clinical testing. Allele origin: germline.

Clinical Genomics, Uppaluri K&H Personalized Medicine Clinic
Classification: Benign for Maturity-onset diabetes of the young. Review status: criteria provided, single submitter. Criteria: K & H Uppaluri Personalized Medicine Clinic Variant Classification & Assertion Criteria_Updated V.1. Collection method: research. Allele origin: unknown. Inheritance: Autosomal dominant inheritance.
Comment: Potent mutations in HNF4A are associated with poor insulin secretion in response to hyperglycemia. Associated with MODY1. Patients initially respond well to sulfonylureas but eventually become insulin dependent. However, more evidence is required to ascertain the role of this particular variant rs772959288 in MODY, yet.

Literature cited by the submitters: DOI 10.1159/000334532 (cited by Clinical Genomics, Uppaluri K&H Personalized Medicine Clinic); PubMed 18268044 (cited by Clinical Genomics, Uppaluri K&H Personalized Medicine Clinic); PubMed 17563455 (cited by Clinical Genomics, Uppaluri K&H Personalized Medicine Clinic); PubMed 32583173 (cited by Clinical Genomics, Uppaluri K&H Personalized Medicine Clinic); PubMed 35052457 (cited by Clinical Genomics, Uppaluri K&H Personalized Medicine Clinic); PubMed 35118593 (cited by Clinical Genomics, Uppaluri K&H Personalized Medicine Clinic).

NM_175914.5(HNF4A):c.369G>A (p.Glu123=)

Gene: HNF4A (hepatocyte nuclear factor 4 alpha; plus strand). Cytogenetic location: 20q13.12.
Variant type: single nucleotide variant.
Coding change: c.369G>A on transcript NM_175914.5 (MANE Select); coding-DNA position 369, G replaced by A.
Protein change: p.Glu123=; no amino-acid change (glutamic acid 123 retained).
Molecular consequence: synonymous variant.
Genome position (GRCh38, 1-based): chr20:44,413,743, G>A. VCF-style: chr20-44413743-G-A. GRCh37 (hg19) VCF-style: chr20-43042383-G-A.
Other names: c.435G>A, p.Glu145= (NM_000457.6, NM_178849.3, NM_178850.3); c.369G>A, p.Glu123= (NM_001030003.3, NM_001030004.3); c.414G>A, p.Glu138= (NM_001258355.2); c.360G>A, p.Glu120= (NM_001287182.2, NM_001287183.2, NM_001287184.2).
Identifiers: ClinVar variation 586014 (VCV000586014.5), dbSNP rs772959288, ClinGen allele CA9870235.